The following is an entry in ClinVar:

ClinVar aggregate classification (germline): Uncertain significance. Review status: criteria provided, multiple submitters, no conflicts (2 of 4 stars). 2 submissions from 2 submitters: Uncertain significance (2). Last evaluated 2025-05-01.

Conditions:
Inborn genetic diseases. Identifiers: MedGen C0950123, MeSH D030342.

Allele frequency attached by ClinVar (database versions not stated): gnomAD 0.00002; gnomAD exomes 0.00002; ExAC 0.00002; TOPMed 0.00002.

Submissions (2):

Ambry Genetics
Classification: Uncertain significance for Inborn genetic diseases. Last evaluated: 2025-05-01. Review status: criteria provided, single submitter. Criteria: Ambry Variant Classification Scheme 2023. Collection method: clinical testing. Allele origin: germline.

Labcorp Genetics (formerly Invitae), Labcorp
Classification: Uncertain significance. Last evaluated: 2022-05-05. Review status: criteria provided, single submitter. Criteria: Invitae Variant Classification Sherloc (09022015). Collection method: clinical testing. Allele origin: germline.
Comment: This sequence change replaces valine, which is neutral and non-polar, with leucine, which is neutral and non-polar, at codon 244 of the TANGO2 protein (p.Val244Leu). This variant is present in population databases (rs774700415, gnomAD 0.03%). This variant has not been reported in the literature in individuals affected with TANGO2-related conditions. Algorithms developed to predict the effect of missense changes on protein structure and function are either unavailable or do not agree on the potential impact of this missense change (SIFT: "Not Available"; PolyPhen-2: "Possibly Damaging"; Align-GVGD: "Not Available"). In summary, the available evidence is currently insufficient to determine the role of this variant in disease. Therefore, it has been classified as a Variant of Uncertain Significance.

NM_152906.7(TANGO2):c.730G>C (p.Val244Leu)

Gene: TANGO2 (transport and golgi organization 2 homolog; plus strand). Cytogenetic location: 22q11.21.
Variant type: single nucleotide variant.
Coding change: c.730G>C on transcript NM_152906.7 (MANE Select); coding-DNA position 730, G replaced by C.
Protein change: p.Val244Leu; replaces valine 244 with leucine.
Molecular consequence: missense variant. On other transcripts: 3 prime UTR variant (1), non-coding transcript variant (5).
Genome position (GRCh38, 1-based): chr22:20,064,561, G>C. VCF-style: chr22-20064561-G-C. GRCh37 (hg19) VCF-style: chr22-20052084-G-C.
Other names: c.730G>C, p.Val244Leu (NM_001283106.3, NM_001283116.3); c.853G>C, p.Val285Leu (NM_001283129.3, NM_001322143.2); c.728G>C, p.Gly243Ala (NM_001283148.3, NM_001283154.3); c.544G>C, p.Val182Leu (NM_001283179.3, NM_001283186.3, NM_001322163.2 and 2 more transcripts); c.505G>C, p.Val169Leu (NM_001283199.3); c.594G>C, p.Trp198Cys (NM_001283215.3); c.436G>C, p.Val146Leu (NM_001283235.3, NM_001322171.2, NM_001322172.2 and 3 more transcripts); c.*66G>C (NM_001283248.3); and 10 more; short protein forms G181A, G209A, G243A, G284A, V223L, V244L, V146L, V198L.
Identifiers: ClinVar variation 1902226 (VCV001902226.3), dbSNP rs774700415, ClinGen allele CA10106563.